The following is an entry in ClinVar:

NM_199420.4(POLQ):c.6882A>G (p.Arg2294=)

Gene: POLQ (DNA polymerase theta; minus strand). Cytogenetic location: 3q13.33.
Variant type: single nucleotide variant.
Coding change: c.6882A>G on transcript NM_199420.4 (MANE Select); coding-DNA position 6882, A replaced by G.
Protein change: p.Arg2294=; no amino-acid change (arginine 2294 retained).
Molecular consequence: synonymous variant.
Genome position (GRCh38, 1-based): chr3:121,467,604, T>C on the plus strand (A>G on the coding strand, the complement: POLQ is on the minus strand). VCF-style: chr3-121467604-T-C. GRCh37 (hg19) VCF-style: chr3-121186451-T-C.
Identifiers: ClinVar variation 3055589 (VCV003055589.2), dbSNP rs532326, ClinGen allele CA2562327.

ClinVar aggregate classification (germline): Benign (0 of 4 stars; one submission).

Conditions:
POLQ-related disorder. Also called: POLQ-related condition.

Allele frequency attached by ClinVar (database versions not stated): 1000 Genomes Project 0.00779; 1000 Genomes Project 30x 0.00781; TOPMed 0.01500; ESP Exome Variant Server 0.01584; gnomAD 0.01623; ExAC 0.01631; gnomAD exomes 0.01809.
gnomAD v4.1: 28,815 of 1,613,468 alleles (1.8%); highest among the groups gnomAD compares: Non-Finnish European, 2%; 326 homozygotes.

Submission:

PreventionGenetics, part of Exact Sciences
Classification: Benign for POLQ-related condition. Last evaluated: 2019-03-04. Review status: no assertion criteria provided. Collection method: clinical testing. Allele origin: germline.
Comment: This variant is classified as benign based on ACMG/AMP sequence variant interpretation guidelines (Richards et al. 2015 PMID: 25741868, with internal and published modifications).